The following is an entry in ClinVar:

NM_024105.4(ALG12):c.872C>T (p.Pro291Leu)

Gene: ALG12 (ALG12 alpha-1,6-mannosyltransferase; minus strand). Cytogenetic location: 22q13.33.
Variant type: single nucleotide variant.
Coding change: c.872C>T on transcript NM_024105.4 (MANE Select); coding-DNA position 872, C replaced by T.
Protein change: p.Pro291Leu; replaces proline 291 with leucine.
Molecular consequence: missense variant.
Genome position (GRCh38, 1-based): chr22:49,907,841, G>A on the plus strand (C>T on the coding strand, the complement: ALG12 is on the minus strand). VCF-style: chr22-49907841-G-A. GRCh37 (hg19) VCF-style: chr22-50301489-G-A.
Other names: c.872C>T (NM_024105.3); short protein forms P291L.
Identifiers: ClinVar variation 1438937 (VCV001438937.6), dbSNP rs778608834, ClinGen allele CA10300417.

ClinVar aggregate classification (germline): Conflicting classifications of pathogenicity. Review status: criteria provided, conflicting classifications (1 of 4 stars). 2 submissions from 2 submitters: Uncertain significance (1); Likely benign (1). Last evaluated 2024-12-14.

Conditions:
Inborn genetic diseases. Identifiers: MedGen C0950123, MeSH D030342.
ALG12-congenital disorder of glycosylation (CDG1G). Also called: CDG Ig; ALG12-CDG; Congenital disorder of glycosylation, type Ig. Identifiers: Orphanet 79324, MedGen C2931001, MONDO:0011783, OMIM 607143.

Allele frequency attached by ClinVar (database versions not stated): gnomAD 0.00001 and 0.00002; gnomAD exomes 0.00002 and 0.00006; TOPMed 0.00002; ExAC 0.00006.
gnomAD v4.1: 26 of 1,613,858 alleles (0.0016%); highest among the groups gnomAD compares: Middle Eastern, 0.016%; no homozygotes.

Submissions (2):

Ambry Genetics
Classification: Likely benign for Inborn genetic diseases. Last evaluated: 2024-12-14. Review status: criteria provided, single submitter. Criteria: Ambry Variant Classification Scheme 2023. Collection method: clinical testing. Allele origin: germline.

Labcorp Genetics (formerly Invitae), Labcorp
Classification: Uncertain significance for ALG12-congenital disorder of glycosylation. Last evaluated: 2021-08-30. Review status: criteria provided, single submitter. Criteria: Invitae Variant Classification Sherloc (09022015). Collection method: clinical testing. Allele origin: germline.
Comment: This sequence change replaces proline with leucine at codon 291 of the ALG12 protein (p.Pro291Leu). The proline residue is weakly conserved and there is a moderate physicochemical difference between proline and leucine. This variant is present in population databases (rs778608834, ExAC 0.01%). This variant has not been reported in the literature in individuals affected with ALG12-related conditions. Algorithms developed to predict the effect of missense changes on protein structure and function output the following: SIFT: "Tolerated"; PolyPhen-2: "Benign"; Align-GVGD: "Class C0". The leucine amino acid residue is found in multiple mammalian species, which suggests that this missense change does not adversely affect protein function. In summary, the available evidence is currently insufficient to determine the role of this variant in disease. Therefore, it has been classified as a Variant of Uncertain Significance.